The following is an entry in ClinVar:

ClinVar aggregate classification (germline): Uncertain significance (1 of 4 stars; one submission).

Allele frequency attached by ClinVar (database versions not stated): gnomAD exomes 0.00001; TOPMed 0.00001.
gnomAD v4.1: 14 of 1,614,068 alleles (0.00087%); highest among the groups gnomAD compares: Non-Finnish European, 0.0011%; no homozygotes.

Submission:

Geisinger Autism and Developmental Medicine Institute, Geisinger Health System
Classification: Uncertain significance. Last evaluated: 2017-09-25. Review status: criteria provided, single submitter. Criteria: ACMG Guidelines, 2015. Collection method: provider interpretation, clinical testing. Allele origin: de novo. Observed: 1 variant allele.
Comment: At the time of report, this gene is not clearly associated with human disease, although a de novo variant has been identified in an indivdual with schizophrenia (Wang, 2015). The p.Pro521Leu variant is absent from population databases. Computational models predict the variant to be damaging.

Literature cited by the submitters: PubMed 26666178.

NM_032236.8(USP48):c.1562C>T (p.Pro521Leu)

Gene: USP48 (ubiquitin specific peptidase 48; minus strand). Cytogenetic location: 1p36.12.
Variant type: single nucleotide variant.
Coding change: c.1562C>T on transcript NM_032236.8 (MANE Select); coding-DNA position 1562, C replaced by T.
Protein change: p.Pro521Leu; replaces proline 521 with leucine.
Molecular consequence: missense variant. On other transcripts: intron variant (1).
Genome position (GRCh38, 1-based): chr1:21,723,984, G>A on the plus strand (C>T on the coding strand, the complement: USP48 is on the minus strand). VCF-style: chr1-21723984-G-A. GRCh37 (hg19) VCF-style: chr1-22050477-G-A.
Other names: c.1562C>T, p.Pro521Leu (NM_001330394.3, NM_001350168.2); c.1559C>T, p.Pro520Leu (NM_001350166.2, NM_001350167.2); c.1448-2220C>T (NM_001350164.2); short protein forms P521L, P520L.
Identifiers: ClinVar variation 560300 (VCV000560300.3), dbSNP rs1161705890, ClinGen allele CA338891596.
Genomic context (GRCh38, chr1:21,723,984, plus strand): 5'-CTACTATAGAAAATGTCAGCTGCATATTCAGATATCCTCTTCATAATTGATATTTTATCC[G>A]GGTGAAGCTTGTCATGGGAACACAGGCAAGCGTGATTATCAATAGGTTTGGTAGGTGTTG-3'
Protein context (NP_115612.4, residues 511-531): ACLCSHDKLH[Pro521Leu]DKISIMKRIS